The following is an entry in ClinVar:

NM_001372.4(DNAH9):c.1341C>A (p.His447Gln)

Gene: DNAH9 (dynein axonemal heavy chain 9; plus strand). Cytogenetic location: 17p12.
Variant type: single nucleotide variant.
Coding change: c.1341C>A on transcript NM_001372.4 (MANE Select); coding-DNA position 1341, C replaced by A.
Protein change: p.His447Gln; replaces histidine 447 with glutamine.
Molecular consequence: missense variant.
Genome position (GRCh38, 1-based): chr17:11,619,772, C>A. VCF-style: chr17-11619772-C-A. GRCh37 (hg19) VCF-style: chr17-11523089-C-A.
Other names: short protein forms H447Q.
Identifiers: ClinVar variation 4242851 (VCV004242851.3).

ClinVar aggregate classification (germline): Uncertain significance. Review status: criteria provided, multiple submitters, no conflicts (2 of 4 stars). 2 submissions from 2 submitters: Uncertain significance (2). Last evaluated 2025-08-03.

Conditions:
Inborn genetic diseases. Identifiers: MedGen C0950123, MeSH D030342.

gnomAD v4.1: 190 of 1,602,324 alleles (0.012%); highest among the groups gnomAD compares: Middle Eastern, 0.066%; no homozygotes.

Submissions (2):

Ambry Genetics
Classification: Uncertain significance for Inborn genetic diseases. Last evaluated: 2025-08-03. Review status: criteria provided, single submitter. Criteria: Ambry Variant Classification Scheme 2023. Collection method: clinical testing. Allele origin: germline.

Dasa
Classification: Uncertain significance. Last evaluated: 2025-07-19. Review status: criteria provided, single submitter. Criteria: DASA Assertion Criteria. Collection method: clinical testing. Allele origin: germline.
Comment: NM_001372.4(DNAH9):c.1341C>A (p.His447Gln) is a missense variant that results in the substitution of histidine with glutamine. This variant is rare in population databases. Computational prediction algorithms are consistent with a benign effect. The currently available literature and clinical evidence are not sufficient to establish a definitive association between this variant and the reported condition. Therefore, this variant is classified as a variant of uncertain significance.